The following is an entry in ClinVar:

NM_000257.4(MYH7):c.4399C>G (p.Leu1467Val)

Genes: MHRT (myosin heavy chain associated RNA transcript; plus strand), MYH7 (myosin heavy chain 7; minus strand). Cytogenetic location: 14q11.2.
Variant type: single nucleotide variant.
Coding change: c.4399C>G on transcript NM_000257.4 (MANE Select); coding-DNA position 4399, C replaced by G.
Protein change: p.Leu1467Val; replaces leucine 1467 with valine.
Molecular consequence: missense variant. On other transcripts: non-coding transcript variant (1).
Genome position (GRCh38, 1-based): chr14:23,417,273, G>C on the plus strand (C>G on the coding strand, the complement: MYH7 is on the minus strand). VCF-style: chr14-23417273-G-C. GRCh37 (hg19) VCF-style: chr14-23886482-G-C.
Other names: p.L1467V:CTG>GTG; short protein forms L1467V.
Identifiers: ClinVar variation 43015 (VCV000043015.25), dbSNP rs397516214, ClinGen allele CA014936.

ClinVar aggregate classification (germline): Conflicting classifications of pathogenicity. Review status: criteria provided, conflicting classifications (1 of 4 stars). 9 submissions from 9 submitters: Uncertain significance (6); Benign (1); Likely benign (1). 1 of the submissions does not count toward it. Last evaluated 2025-01-21.

Conditions:
Cardiovascular phenotype. Identifiers: MedGen CN230736.
Cardiomyopathy (CMYO). Also called: Cardiomyopathies. Identifiers: Orphanet 167848, MedGen C0878544, MONDO:0004994, HP:0001638. Inheritance: Various modes of inheritance.
Hypertrophic cardiomyopathy 1 (CMH1). Also called: MYH7-Related Familial Hypertrophic Cardiomyopathy; Familial hypertrophic cardiomyopathy 1. Identifiers: MedGen C3495498, MONDO:0008647, OMIM 192600.
Hypertrophic cardiomyopathy. Also called: HYPERTROPHIC MYOCARDIOPATHY. Identifiers: Orphanet 217569, MedGen C0007194, MeSH D002312, MONDO:0005045, HP:0001639.

Allele frequency attached by ClinVar (database versions not stated): gnomAD 0.00002 and below 0.00001; 1000 Genomes Project 0.00020; TOPMed below 0.00001; 1000 Genomes Project 30x 0.00016; ExAC 0.00016; gnomAD exomes 0.00014.
gnomAD v4.1: 98 of 1,614,172 alleles (0.0061%); highest among the groups gnomAD compares: South Asian, 0.11%; 1 homozygote.

Submissions (9):

Labcorp Genetics (formerly Invitae), Labcorp
Classification: Uncertain significance for Hypertrophic cardiomyopathy. Last evaluated: 2025-01-21. Review status: criteria provided, single submitter. Criteria: Invitae Variant Classification Sherloc (09022015). Collection method: clinical testing. Allele origin: germline.
Comment: This sequence change replaces leucine, which is neutral and non-polar, with valine, which is neutral and non-polar, at codon 1467 of the MYH7 protein (p.Leu1467Val). This variant is present in population databases (rs397516214, gnomAD 0.1%). This missense change has been observed in individual(s) with MYH7-related conditions (PMID: 22464770, 22784669, 29121657, 37652022). ClinVar contains an entry for this variant (Variation ID: 43015). Invitae Evidence Modeling of protein sequence and biophysical properties (such as structural, functional, and spatial information, amino acid conservation, physicochemical variation, residue mobility, and thermodynamic stability) indicates that this missense variant is expected to disrupt MYH7 protein function with a positive predictive value of 95%. In summary, the available evidence is currently insufficient to determine the role of this variant in disease. Therefore, it has been classified as a Variant of Uncertain Significance.

Color Diagnostics, LLC DBA Color Health
Classification: Uncertain significance for Cardiomyopathy. Last evaluated: 2022-06-07. Review status: criteria provided, single submitter. Criteria: ACMG Guidelines, 2015. Collection method: clinical testing. Allele origin: germline.
Comment: This missense variant replaces leucine with valine at codon 1467 of the MYH7 protein. Computational prediction suggests that this variant may have deleterious impact on protein structure and function (internally defined REVEL score threshold >= 0.7, PMID: 27666373). To our knowledge, functional studies have not been reported for this variant. This variant has been reported in an individual affected with multi-minicore disease and cardiomyopathy, who had a family history of early death presumed to be of cardiac origin (PMID: 22784669). This variant has also been identified in 34/251430 chromosomes (34/30616 chromosomes in South Asian) in the general population by the Genome Aggregation Database (gnomAD). Although the variant allele frequency is greater than expected for MYH7-related disorders, the available evidence is insufficient to determine the role of this variant in disease conclusively. Therefore, this variant is classified as a Variant of Uncertain Significance.

Ambry Genetics
Classification: Likely benign for Cardiovascular phenotype. Last evaluated: 2021-01-13. Review status: criteria provided, single submitter. Criteria: Ambry Variant Classification Scheme 2023. Collection method: clinical testing. Allele origin: germline.

Revvity Omics, Revvity
Classification: Uncertain significance. Last evaluated: 2020-10-08. Review status: criteria provided, single submitter. Criteria: ACMG Guidelines, 2015. Collection method: clinical testing. Allele origin: germline.

Mendelics
Classification: Uncertain significance for Hypertrophic cardiomyopathy 1. Last evaluated: 2019-05-28. Review status: criteria provided, single submitter. Criteria: Mendelics Assertion Criteria 2017. Collection method: clinical testing. Allele origin: unknown.

GeneDx
Classification: Benign. Last evaluated: 2019-05-15. Review status: criteria provided, single submitter. Criteria: GeneDx Variant Classification Process June 2021. Collection method: clinical testing. Allele origin: germline. Affected: yes.
Comment: This variant is associated with the following publications: (PMID: 29121657, 22784669, 24953931, 25666907)

Women's Health and Genetics/Laboratory Corporation of America, LabCorp
Classification: Uncertain significance. Last evaluated: 2019-04-08. Review status: criteria provided, single submitter. Criteria: LabCorp Variant Classification Summary - May 2015. Collection method: clinical testing. Allele origin: germline.
Comment: Variant summary: MYH7 c.4399C>G (p.Leu1467Val) results in a conservative amino acid change located in the Myosin tail domain of the encoded protein sequence. Three of five in-silico tools predict a damaging effect of the variant on protein function. The variant allele was found at a frequency of 0.00014 in 246202 control chromosomes. This frequency is not significantly higher than expected for a pathogenic variant in MYH7 causing Hypertrophic Cardiomyopathy (0.00014 vs 0.001), allowing no conclusion about variant significance. c.4399C>G has been reported in the literature in individuals affected with DCM, HCM, or multi-minicore disease with cardiac involvement (Lakdawala_2012, Cullup_2012, Pugh_2014, Viswanathan_2017). These report(s) do not provide unequivocal conclusions about association of the variant with Hypertrophic Cardiomyopathy. To our knowledge, no experimental evidence demonstrating an impact on protein function has been reported. No clinical diagnostic laboratories have submitted clinical-significance assessments for this variant to ClinVar after 2014. Based on the evidence outlined above, the variant was classified as uncertain significance.

CHEO Genetics Diagnostic Laboratory, Children's Hospital of Eastern Ontario
Classification: Uncertain significance for Cardiomyopathy. Last evaluated: 2018-12-20. Review status: criteria provided, single submitter. Criteria: ACMG Guidelines, 2015. Collection method: clinical testing. Allele origin: germline.

Laboratory for Molecular Medicine, Mass General Brigham Personalized Medicine
Classification: Uncertain significance. Last evaluated: 2014-01-17. Review status: no assertion criteria provided. Collection method: clinical testing. Allele origin: germline. Observed: 1 variant allele. Not counted in ClinVar's aggregate classification.
Comment: proposed classification - variant undergoing re-assessment, contact laboratory

Literature cited by the submitters: PubMed 22464770 (cited by Labcorp Genetics (formerly Invitae), Labcorp and Women's Health and Genetics/Laboratory Corporation of America, LabCorp); PubMed 22784669 (cited by 5 submitters); PubMed 29121657 (cited by Labcorp Genetics (formerly Invitae), Labcorp and Women's Health and Genetics/Laboratory Corporation of America, LabCorp); PubMed 37652022 (cited by Labcorp Genetics (formerly Invitae), Labcorp); PubMed 24503780 (cited by Ambry Genetics and Women's Health and Genetics/Laboratory Corporation of America, LabCorp).